The following is an entry in ClinVar:

ClinVar aggregate classification (germline): Benign. Review status: criteria provided, single submitter (1 of 4 stars). 2 submissions from 2 submitters: Benign (1). 1 of the submissions does not count toward it. Last evaluated 2021-08-19.

Conditions:
Polydactyly, postaxial, type a7. Identifiers: MedGen C4539976, MONDO:0060550, OMIM 617642.
IQCE-related disorder. Also called: IQCE-related condition.

Allele frequency attached by ClinVar (database versions not stated): ESP Exome Variant Server 0.38200; TOPMed 0.40526; 1000 Genomes Project 30x 0.43660.
gnomAD v4.1: 700,576 of 1,602,880 alleles (44%); highest among the groups gnomAD compares: Admixed American, 56%; 156,484 homozygotes.

Submissions (2):

Genome-Nilou Lab
Classification: Benign for Polydactyly, postaxial, type a7. Last evaluated: 2021-08-19. Review status: criteria provided, single submitter. Criteria: ACMG Guidelines, 2015. Collection method: clinical testing. Allele origin: germline. Affected: no.

PreventionGenetics, part of Exact Sciences
Classification: Benign for IQCE-related condition. Last evaluated: 2023-02-01. Review status: no assertion criteria provided. Collection method: clinical testing. Allele origin: germline. Not counted in ClinVar's aggregate classification.
Comment: This variant is classified as benign based on ACMG/AMP sequence variant interpretation guidelines (Richards et al. 2015 PMID: 25741868, with internal and published modifications).

NM_152558.5(IQCE):c.1996T>G (p.Leu666Val)

Gene: IQCE (IQ motif containing E; plus strand). Cytogenetic location: 7p22.3.
Variant type: single nucleotide variant.
Coding change: c.1996T>G on transcript NM_152558.5 (MANE Select); coding-DNA position 1996, T replaced by G.
Protein change: p.Leu666Val; replaces leucine 666 with valine.
Molecular consequence: missense variant.
Genome position (GRCh38, 1-based): chr7:2,610,070, T>G. VCF-style: chr7-2610070-T-G. GRCh37 (hg19) VCF-style: chr7-2649704-T-G.
Other names: c.1801T>G, p.Leu601Val (NM_001287501.2); c.1996T>G (NM_152558.4); short protein forms L601V, L666V.
Identifiers: ClinVar variation 1300036 (VCV001300036.4), dbSNP rs3735109, ClinGen allele CA4129638.